The following is an entry in ClinVar:

ClinVar aggregate classification (germline): Uncertain significance (1 of 4 stars; one submission).

Conditions:
Hereditary cancer-predisposing syndrome. Also called: Tumor predisposition; Neoplastic Syndromes, Hereditary; Hereditary Cancer Syndrome; Hereditary neoplastic syndrome. Identifiers: Orphanet 140162, MedGen C0027672, MeSH D009386, MONDO:0015356.

Submission:

Ambry Genetics
Classification: Uncertain significance for Hereditary cancer-predisposing syndrome. Last evaluated: 2024-11-14. Review status: criteria provided, single submitter. Criteria: Ambry Variant Classification Scheme 2023. Collection method: clinical testing. Allele origin: germline.
Comment: The p.P364L variant (also known as c.1091C>T), located in coding exon 9 of the BRCA1 gene, results from a C to T substitution at nucleotide position 1091. The proline at codon 364 is replaced by leucine, an amino acid with similar properties. This amino acid position is not well conserved in available vertebrate species. In addition, the in silico prediction for this alteration is inconclusive. Based on the available evidence, the clinical significance of this variant remains unclear.

NM_007294.4(BRCA1):c.1091C>T (p.Pro364Leu)

Gene: BRCA1 (BRCA1 DNA repair associated; minus strand). Cytogenetic location: 17q21.31.
Variant type: single nucleotide variant.
Coding change: c.1091C>T on transcript NM_007294.4 (MANE Select); coding-DNA position 1091, C replaced by T.
Protein change: p.Pro364Leu; replaces proline 364 with leucine.
Molecular consequence: missense variant. On other transcripts: intron variant (137).
Genome position (GRCh38, 1-based): chr17:43,094,440, G>A on the plus strand (C>T on the coding strand, the complement: BRCA1 is on the minus strand). VCF-style: chr17-43094440-G-A. GRCh37 (hg19) VCF-style: chr17-41246457-G-A.
Other names: c.1091C>T, p.Pro364Leu (NM_001407616.1, NM_001407617.1, NM_001407621.1 and 30 more transcripts); c.664+304C>T (NM_001408443.1, NM_001408439.1, NM_001408425.1 and 12 more transcripts); c.670+1406C>T (NM_001408419.1, NM_001408422.1, NM_001408418.1 and 2 more transcripts); c.787+304C>T (NM_001408403.1, NM_001407983.1, NM_001407975.1 and 19 more transcripts); c.790+301C>T (NM_001408406.1); c.646+304C>T (NM_001408456.1, NM_001408410.1, NM_001408458.1 and 11 more transcripts); c.643+304C>T (NM_001408465.1, NM_001408463.1, NM_001408462.1 and 3 more transcripts); c.577+304C>T (NM_001408482.1, NM_001408484.1, NM_001408478.1 and 9 more transcripts); and 40 more; short protein forms P276L, P297L, P316L, P317L, P361L, P364L, P68L, P237L.
Identifiers: ClinVar variation 3481885 (VCV003481885.1).